The following is an entry in ClinVar:

ClinVar aggregate classification (germline): Pathogenic. Review status: criteria provided, multiple submitters, no conflicts (2 of 4 stars). 3 submissions from 3 submitters: Pathogenic (3). Last evaluated 2023-11-04.

Conditions:
Usher syndrome type 2A. Also called: RETINAL DISEASE IN USHER SYNDROME TYPE IIA, MODIFIER OF; USHER SYNDROME, TYPE IIA. Identifiers: Orphanet 231178, Orphanet 886, MedGen C1848634, MONDO:0010169, OMIM 276901.
Usher syndrome type 2. Also called: Usher Syndrome Type II. Identifiers: Orphanet 231178, MedGen C0339534, MONDO:0016484.

Submissions (3):

Genome-Nilou Lab
Classification: Pathogenic for Usher syndrome type 2A. Last evaluated: 2023-11-04. Review status: criteria provided, single submitter. Criteria: ACMG Guidelines, 2015. Collection method: clinical testing. Allele origin: germline. Affected: no.

Labcorp Genetics (formerly Invitae), Labcorp
Classification: Pathogenic. Last evaluated: 2022-06-04. Review status: criteria provided, single submitter. Criteria: Invitae Variant Classification Sherloc (09022015). Collection method: clinical testing. Allele origin: germline.
Comment: For these reasons, this variant has been classified as Pathogenic. ClinVar contains an entry for this variant (Variation ID: 813118). This variant has not been reported in the literature in individuals affected with USH2A-related conditions. This variant is not present in population databases (gnomAD no frequency). This sequence change creates a premature translational stop signal (p.Thr1128Profs*10) in the USH2A gene. It is expected to result in an absent or disrupted protein product. Loss-of-function variants in USH2A are known to be pathogenic (PMID: 10729113, 10909849, 20507924, 25649381).

Molecular Genetics Laboratory, Institute for Ophthalmic Research
Classification: Pathogenic for Usher syndrome type 2. Last evaluated: 2020-01-09. Review status: criteria provided, single submitter. Criteria: ACMG Guidelines, 2015. Collection method: research. Allele origin: germline. Affected: yes.

Literature cited by the submitters: PubMed 10729113 (cited by Labcorp Genetics (formerly Invitae), Labcorp); PubMed 10909849 (cited by Labcorp Genetics (formerly Invitae), Labcorp); PubMed 20507924 (cited by Labcorp Genetics (formerly Invitae), Labcorp); PubMed 25649381 (cited by Labcorp Genetics (formerly Invitae), Labcorp).

NM_206933.4(USH2A):c.3381del (p.Thr1128fs)

Genes: USH2A (usherin; minus strand), USH2A-AS1 (USH2A antisense RNA 1; plus strand). Cytogenetic location: 1q41.
Variant type: Deletion.
Coding change: c.3381del on transcript NM_206933.4 (MANE Select); coding-DNA position 3381, one base deleted (C; older notation c.3381delC).
Protein change: p.Thr1128fs; shifts the reading frame from threonine 1128.
Molecular consequence: frameshift variant.
Genome position (GRCh38, 1-based): chr1:216,200,057, G deleted on the plus strand (C on the coding strand, the reverse complement: USH2A is on the minus strand); the first of 2 consecutive G bases (chr1:216,200,057-216,200,058); deleting either gives the same sequence. VCF-style (leftmost placement, unchanged base first): chr1-216200056-TG-T. GRCh37 (hg19) VCF-style: chr1-216373398-TG-T.
Other names: c.3381del, p.Thr1128fs (NM_007123.6); short protein forms T1128fs.
Identifiers: ClinVar variation 813118 (VCV000813118.8), dbSNP rs2034948574, ClinGen allele CA1139656578.